The following is an entry in ClinVar:

NM_014669.5(NUP93):c.1789G>A (p.Val597Ile)

Gene: NUP93 (nucleoporin 93; plus strand). Cytogenetic location: 16q13.
Variant type: single nucleotide variant.
Coding change: c.1789G>A on transcript NM_014669.5 (MANE Select); coding-DNA position 1789, G replaced by A.
Protein change: p.Val597Ile; replaces valine 597 with isoleucine.
Molecular consequence: missense variant.
Genome position (GRCh38, 1-based): chr16:56,836,607, G>A. VCF-style: chr16-56836607-G-A. GRCh37 (hg19) VCF-style: chr16-56870519-G-A.
Other names: c.1420G>A, p.Val474Ile (NM_001242795.2, NM_001242796.2); short protein forms V597I, V474I.
Identifiers: ClinVar variation 2022632 (VCV002022632.4), dbSNP rs2544067266, ClinGen allele CA395992841.

ClinVar aggregate classification (germline): Uncertain significance (1 of 4 stars; one submission).

Submission:

Labcorp Genetics (formerly Invitae), Labcorp
Classification: Uncertain significance. Last evaluated: 2022-08-07. Review status: criteria provided, single submitter. Criteria: Invitae Variant Classification Sherloc (09022015). Collection method: clinical testing. Allele origin: germline.
Comment: This sequence change replaces valine, which is neutral and non-polar, with isoleucine, which is neutral and non-polar, at codon 597 of the NUP93 protein (p.Val597Ile). This variant is not present in population databases (gnomAD no frequency). In summary, the available evidence is currently insufficient to determine the role of this variant in disease. Therefore, it has been classified as a Variant of Uncertain Significance. Algorithms developed to predict the effect of missense changes on protein structure and function (SIFT, PolyPhen-2, Align-GVGD) all suggest that this variant is likely to be tolerated. This variant has not been reported in the literature in individuals affected with NUP93-related conditions.